The following is an entry in ClinVar:

NM_002768.5(CHMP1A):c.105+266C>T

Gene: CHMP1A (charged multivesicular body protein 1A; minus strand). Cytogenetic location: 16q24.3.
Variant type: single nucleotide variant.
Coding change: c.105+266C>T on transcript NM_002768.5 (MANE Select); 266 bases into the intron after coding-DNA position 105, C replaced by T.
Molecular consequence: intron variant.
Genome position (GRCh38, 1-based): chr16:89,651,303, G>A on the plus strand (C>T on the coding strand, the complement: CHMP1A is on the minus strand). VCF-style: chr16-89651303-G-A. GRCh37 (hg19) VCF-style: chr16-89717711-G-A.
Other names: c.85+266C>T (NM_001083314.4).
Identifiers: ClinVar variation 668086 (VCV000668086.1), dbSNP rs407863, ClinGen allele CA14273902.

ClinVar aggregate classification (germline): Benign (1 of 4 stars; one submission).

Allele frequency attached by ClinVar (database versions not stated): 1000 Genomes Project 0.19050; 1000 Genomes Project 30x 0.19753; TOPMed 0.30788; gnomAD 0.33250 and 0.33633.
gnomAD v4.1: 48,302 of 144,042 alleles (34%); highest among the groups gnomAD compares: Middle Eastern, 62%; 9,984 homozygotes.

Submission:

GeneDx
Classification: Benign. Last evaluated: 2018-06-19. Review status: criteria provided, single submitter. Criteria: GeneDx Variant Classification (06012015). Collection method: clinical testing. Allele origin: germline. Affected: yes.
Comment: This variant is considered likely benign or benign based on one or more of the following criteria: it is a conservative change, it occurs at a poorly conserved position in the protein, it is predicted to be benign by multiple in silico algorithms, and/or has population frequency not consistent with disease.